The following is an entry in ClinVar:

NM_001080517.3(SETD5):c.4246C>T (p.His1416Tyr)

Gene: SETD5 (SET domain containing 5; plus strand). Cytogenetic location: 3p25.3.
Variant type: single nucleotide variant.
Coding change: c.4246C>T on transcript NM_001080517.3 (MANE Select); coding-DNA position 4246, C replaced by T.
Protein change: p.His1416Tyr; replaces histidine 1416 with tyrosine.
Molecular consequence: missense variant.
Genome position (GRCh38, 1-based): chr3:9,476,008, C>T. VCF-style: chr3-9476008-C-T. GRCh37 (hg19) VCF-style: chr3-9517692-C-T.
Other names: c.3952C>T, p.His1318Tyr (NM_001292043.2, NM_001349451.2); short protein forms H1318Y, H1416Y.
Identifiers: ClinVar variation 3612306 (VCV003612306.2).

ClinVar aggregate classification (germline): Uncertain significance (1 of 4 stars; one submission).

gnomAD v4.1: 8 of 1,613,920 alleles (0.0005%); highest among the groups gnomAD compares: Admixed American, 0.01%; no homozygotes.

Submission:

Labcorp Genetics (formerly Invitae), Labcorp
Classification: Uncertain significance. Last evaluated: 2025-12-21. Review status: criteria provided, single submitter. Criteria: Invitae Variant Classification Sherloc (09022015). Collection method: clinical testing. Allele origin: germline.
Comment: This sequence change replaces histidine, which is basic and polar, with tyrosine, which is neutral and polar, at codon 1416 of the SETD5 protein (p.His1416Tyr). The frequency data for this variant in the population databases is considered unreliable, as metrics indicate poor data quality at this position in the gnomAD database. This variant has not been reported in the literature in individuals affected with SETD5-related conditions. ClinVar contains an entry for this variant (Variation ID: 3612306). Invitae Evidence Modeling of protein sequence and biophysical properties (such as structural, functional, and spatial information, amino acid conservation, physicochemical variation, residue mobility, and thermodynamic stability) indicates that this missense variant is not expected to disrupt SETD5 protein function with a negative predictive value of 80%. In summary, the available evidence is currently insufficient to determine the role of this variant in disease. Therefore, it has been classified as a Variant of Uncertain Significance.